The following is an entry in ClinVar:

ClinVar aggregate classification (germline): Uncertain significance (1 of 4 stars; one submission).

gnomAD v4.1: 17 of 1,612,992 alleles (0.0011%); highest among the groups gnomAD compares: South Asian, 0.019%; no homozygotes.

Submission:

Ambry Genetics
Classification: Uncertain significance. Last evaluated: 2024-05-12. Review status: criteria provided, single submitter. Criteria: Ambry Variant Classification Scheme 2023. Collection method: clinical testing. Allele origin: germline.
Comment: The p.T154A variant (also known as c.460A>G), located in coding exon 3 of the MYOM1 gene, results from an A to G substitution at nucleotide position 460. The threonine at codon 154 is replaced by alanine, an amino acid with similar properties. This amino acid position is conserved. In addition, this alteration is predicted to be tolerated by in silico analysis. Based on the available evidence, the clinical significance of this variant remains unclear.

NM_003803.4(MYOM1):c.460A>G (p.Thr154Ala)

Gene: MYOM1 (myomesin 1; minus strand). Cytogenetic location: 18p11.31.
Variant type: single nucleotide variant.
Coding change: c.460A>G on transcript NM_003803.4 (MANE Select); coding-DNA position 460, A replaced by G.
Protein change: p.Thr154Ala; replaces threonine 154 with alanine.
Molecular consequence: missense variant.
Genome position (GRCh38, 1-based): chr18:3,189,059, T>C on the plus strand (A>G on the coding strand, the complement: MYOM1 is on the minus strand). VCF-style: chr18-3189059-T-C. GRCh37 (hg19) VCF-style: chr18-3189057-T-C.
Other names: c.460A>G, p.Thr154Ala (NM_019856.2); short protein forms T154A.
Identifiers: ClinVar variation 3298035 (VCV003298035.1).